The following is an entry in ClinVar:

ClinVar aggregate classification (germline): Uncertain significance (1 of 4 stars; one submission).

Conditions:
Inborn genetic diseases. Identifiers: MedGen C0950123, MeSH D030342.

gnomAD v4.1: 2 of 1,613,870 alleles (0.00012%); highest among the groups gnomAD compares: African/African-American, 0.0027%; no homozygotes.

Submission:

Ambry Genetics
Classification: Uncertain significance for Inborn genetic diseases. Last evaluated: 2025-09-22. Review status: criteria provided, single submitter. Criteria: Ambry Variant Classification Scheme 2023. Collection method: clinical testing. Allele origin: germline.
Comment: The p.I337K variant (also known as c.1010T>A), located in coding exon 11 of the ASXL1 gene, results from a T to A substitution at nucleotide position 1010. The isoleucine at codon 337 is replaced by lysine, an amino acid with dissimilar properties. This amino acid position is conserved. In addition, the in silico prediction for this alteration is inconclusive. Based on the available evidence, the clinical significance of this variant remains unclear.

NM_015338.6(ASXL1):c.1010T>A (p.Ile337Lys)

Gene: ASXL1 (ASXL transcriptional regulator 1; plus strand). Cytogenetic location: 20q11.21.
Variant type: single nucleotide variant.
Coding change: c.1010T>A on transcript NM_015338.6 (MANE Select); coding-DNA position 1010, T replaced by A.
Protein change: p.Ile337Lys; replaces isoleucine 337 with lysine.
Molecular consequence: missense variant.
Genome position (GRCh38, 1-based): chr20:32,432,910, T>A. VCF-style: chr20-32432910-T-A. GRCh37 (hg19) VCF-style: chr20-31020713-T-A.
Other names: c.827T>A, p.Ile276Lys (NM_001363734.1); short protein forms I337K, I276K.
Identifiers: ClinVar variation 4587291 (VCV004587291.1).